The following is an entry in ClinVar:

ClinVar aggregate classification (germline): Uncertain significance (1 of 4 stars; one submission).

Conditions:
Deficiency of butyryl-CoA dehydrogenase (ACADSD). Also called: SCAD DEFICIENCY, MILD; SCAD Deficiency; ACADS DEFICIENCY; SCADH DEFICIENCY; ACYL-CoA DEHYDROGENASE, SHORT-CHAIN, DEFICIENCY OF; Short-Chain Acyl-CoA Dehydrogenase Deficiency. Identifiers: Orphanet 26792, MedGen C0342783, MONDO:0008722, OMIM 201470. Disease mechanism: May be benign.

Submission:

Labcorp Genetics (formerly Invitae), Labcorp
Classification: Uncertain significance for Deficiency of butyryl-CoA dehydrogenase. Last evaluated: 2023-04-24. Review status: criteria provided, single submitter. Criteria: Invitae Variant Classification Sherloc (09022015). Collection method: clinical testing. Allele origin: germline.
Comment: In summary, the available evidence is currently insufficient to determine the role of this variant in disease. Therefore, it has been classified as a Variant of Uncertain Significance. Algorithms developed to predict the effect of sequence changes on RNA splicing suggest that this variant may disrupt the consensus splice site. An algorithm developed to predict the effect of missense changes on protein structure and function (PolyPhen-2) suggests that this variant is likely to be disruptive. ClinVar contains an entry for this variant (Variation ID: 838174). This missense change has been observed in individual(s) with SCAD deficiency (Invitae). In at least one individual the data is consistent with being in trans (on the opposite chromosome) from a pathogenic variant. This variant is not present in population databases (gnomAD no frequency). This sequence change replaces lysine, which is basic and polar, with arginine, which is basic and polar, at codon 343 of the ACADS protein (p.Lys343Arg).

NM_000017.4(ACADS):c.1028A>G (p.Lys343Arg)

Gene: ACADS (acyl-CoA dehydrogenase short chain; plus strand). Cytogenetic location: 12q24.31.
Variant type: single nucleotide variant.
Coding change: c.1028A>G on transcript NM_000017.4 (MANE Select); coding-DNA position 1028, A replaced by G.
Protein change: p.Lys343Arg; replaces lysine 343 with arginine.
Molecular consequence: missense variant.
Genome position (GRCh38, 1-based): chr12:120,738,914, A>G. VCF-style: chr12-120738914-A-G. GRCh37 (hg19) VCF-style: chr12-121176717-A-G.
Other names: c.1016A>G, p.Lys339Arg (NM_001302554.2); short protein forms K339R, K343R.
Identifiers: ClinVar variation 838174 (VCV000838174.9), dbSNP rs1883556301, ClinGen allele CA386601613.